The following is an entry in ClinVar:

NM_212482.4(FN1):c.6928G>C (p.Asp2310His)

Genes: ATIC (5-aminoimidazole-4-carboxamide ribonucleotide formyltransferase/IMP cyclohydrolase; plus strand), FN1 (fibronectin 1; minus strand). Cytogenetic location: 2q35.
Variant type: single nucleotide variant.
Coding change: c.6928G>C on transcript NM_212482.4 (MANE Select); coding-DNA position 6928, G replaced by C.
Protein change: p.Asp2310His; replaces aspartic acid 2310 with histidine.
Molecular consequence: missense variant.
Genome position (GRCh38, 1-based): chr2:215,367,953, C>G on the plus strand (G>C on the coding strand, the complement: FN1 is on the minus strand). VCF-style: chr2-215367953-C-G. GRCh37 (hg19) VCF-style: chr2-216232676-C-G.
Other names: c.6835G>C, p.Asp2279His (NM_001306129.2); c.6298G>C, p.Asp2100His (NM_001306130.2); c.6292G>C, p.Asp2098His (NM_001306131.2); c.6217G>C, p.Asp2073His (NM_001306132.2); c.6658G>C, p.Asp2220His (NM_001365517.2); c.6655G>C, p.Asp2219His (NM_001365518.2); c.6583G>C, p.Asp2195His (NM_001365519.2); c.6580G>C, p.Asp2194His (NM_001365520.2); and 8 more; short protein forms D2098H, D2099H, D2100H, D2129H, D2188H, D2189H, D2195H, D2279H.
Identifiers: ClinVar variation 4025925 (VCV004025925.2).

ClinVar aggregate classification (germline): Uncertain significance. Review status: criteria provided, multiple submitters, no conflicts (2 of 4 stars). 2 submissions from 2 submitters: Uncertain significance (2). Last evaluated 2025-05-11.

Conditions:
Inborn genetic diseases. Identifiers: MedGen C0950123, MeSH D030342.

gnomAD v4.1: 1 of 1,614,150 alleles (0.000062%); highest among the groups gnomAD compares: African/African-American, 0.0013%; no homozygotes.

Submissions (2):

Labcorp Genetics (formerly Invitae), Labcorp
Classification: Uncertain significance. Last evaluated: 2025-05-11. Review status: criteria provided, single submitter. Criteria: Invitae Variant Classification Sherloc (09022015). Collection method: clinical testing. Allele origin: germline.
Comment: This sequence change replaces aspartic acid, which is acidic and polar, with histidine, which is basic and polar, at codon 2310 of the FN1 protein (p.Asp2310His). This variant is not present in population databases (gnomAD no frequency). This variant has not been reported in the literature in individuals affected with FN1-related conditions. An algorithm developed to predict the effect of missense changes on protein structure and function (PolyPhen-2) suggests that this variant is likely to be disruptive. In summary, the available evidence is currently insufficient to determine the role of this variant in disease. Therefore, it has been classified as a Variant of Uncertain Significance.

Ambry Genetics
Classification: Uncertain significance for Inborn genetic diseases. Last evaluated: 2025-04-10. Review status: criteria provided, single submitter. Criteria: Ambry Variant Classification Scheme 2023. Collection method: clinical testing. Allele origin: germline.